The following is an entry in ClinVar:

NM_033453.4(ITPA):c.411+6T>C

Genes: ITPA (inosine triphosphatase; plus strand), LOC130065322 (ATAC-STARR-seq lymphoblastoid silent region 12615; plus strand). Cytogenetic location: 20p13.
Variant type: single nucleotide variant.
Coding change: c.411+6T>C on transcript NM_033453.4 (MANE Select); 6 bases into the intron after coding-DNA position 411, T replaced by C.
Molecular consequence: intron variant.
Genome position (GRCh38, 1-based): chr20:3,218,638, T>C. VCF-style: chr20-3218638-T-C. GRCh37 (hg19) VCF-style: chr20-3199284-T-C.
Other names: c.74+6T>C (NM_001324237.2, NM_001324238.2, NM_001324236.2 and 1 more transcripts); c.411+6T>C (NM_001324240.2); c.288+6T>C (NM_001267623.2); c.360+6T>C (NM_181493.4).
Identifiers: ClinVar variation 653173 (VCV000653173.6), dbSNP rs1339641819, ClinGen allele CA634172828.

ClinVar aggregate classification (germline): Uncertain significance (1 of 4 stars; one submission).

Conditions:
Inosine triphosphatase deficiency. Also called: INOSINE TRIPHOSPHATE PYROPHOSPHOHYDROLASE DEFICIENCY. Identifiers: MedGen C0342800, MONDO:0013461, OMIM 613850.

Allele frequency attached by ClinVar (database versions not stated): gnomAD exomes below 0.00001; TOPMed below 0.00001; gnomAD 0.00001.
gnomAD v4.1: 3 of 1,604,464 alleles (0.00019%); highest among the groups gnomAD compares: Admixed American, 0.0033%; no homozygotes.

Submission:

Labcorp Genetics (formerly Invitae), Labcorp
Classification: Uncertain significance for Inosine triphosphatase deficiency. Last evaluated: 2021-08-31. Review status: criteria provided, single submitter. Criteria: Invitae Variant Classification Sherloc (09022015). Collection method: clinical testing. Allele origin: germline.
Comment: This sequence change falls in intron 6 of the ITPA gene. It does not directly change the encoded amino acid sequence of the ITPA protein. It affects a nucleotide within the consensus splice site of the intron. This variant is not present in population databases (ExAC no frequency). This variant has not been reported in the literature in individuals affected with ITPA-related conditions. Variants that disrupt the consensus splice site are a relatively common cause of aberrant splicing (PMID: 17576681, 9536098). Algorithms developed to predict the effect of sequence changes on RNA splicing suggest that this variant may disrupt the consensus splice site. In summary, the available evidence is currently insufficient to determine the role of this variant in disease. Therefore, it has been classified as a Variant of Uncertain Significance.

Literature cited by the submitters: PubMed 17576681; PubMed 9536098.